The following is an entry in ClinVar:

ClinVar aggregate classification (germline): Uncertain significance (1 of 4 stars; one submission).

Conditions:
Carney complex, type 1 (CNC1). Also called: CARNEY MYXOMA-ENDOCRINE COMPLEX; CARNEY COMPLEX, TYPE I. Identifiers: Orphanet 1359, MedGen C2607929, MONDO:0008057, OMIM 160980.

Submission:

Labcorp Genetics (formerly Invitae), Labcorp
Classification: Uncertain significance for Carney complex, type 1. Last evaluated: 2024-11-30. Review status: criteria provided, single submitter. Criteria: Invitae Variant Classification Sherloc (09022015). Collection method: clinical testing. Allele origin: germline.
Comment: This sequence change replaces arginine, which is basic and polar, with glycine, which is neutral and non-polar, at codon 305 of the PRKAR1A protein (p.Arg305Gly). This variant is not present in population databases (gnomAD no frequency). This variant has not been reported in the literature in individuals affected with PRKAR1A-related conditions. Invitae Evidence Modeling of protein sequence and biophysical properties (such as structural, functional, and spatial information, amino acid conservation, physicochemical variation, residue mobility, and thermodynamic stability) has been performed for this missense variant. However, the output from this modeling did not meet the statistical confidence thresholds required to predict the impact of this variant on PRKAR1A protein function. In summary, the available evidence is currently insufficient to determine the role of this variant in disease. Therefore, it has been classified as a Variant of Uncertain Significance.

NM_002734.5(PRKAR1A):c.913C>G (p.Arg305Gly)

Gene: PRKAR1A (protein kinase cAMP-dependent type I regulatory subunit alpha; plus strand). Cytogenetic location: 17q24.2.
Variant type: single nucleotide variant.
Coding change: c.913C>G on transcript NM_002734.5 (MANE Select); coding-DNA position 913, C replaced by G.
Protein change: p.Arg305Gly; replaces arginine 305 with glycine.
Molecular consequence: missense variant.
Genome position (GRCh38, 1-based): chr17:68,529,941, C>G. VCF-style: chr17-68529941-C-G. GRCh37 (hg19) VCF-style: chr17-66526082-C-G.
Other names: c.913C>G, p.Arg305Gly (NM_001276289.2, NM_001276290.1, NM_001278433.2 and 4 more transcripts); short protein forms R305G.
Identifiers: ClinVar variation 3720821 (VCV003720821.2).
Genomic context (GRCh38, chr17:68,529,941, plus strand): 5'-AGTGTGTGTTTGTTTAGCTTTTTGGTGATTTTATTATAGGGGTCAGCTGCTGTGCTACAA[C>G]GTCGGTCAGAAAATGAAGAGTTTGTTGAAGTGGGAAGATTGGGGCCTTCTGATTATTTTG-3'
Protein context (NP_002725.1, residues 295-315): ILEGSAAVLQ[Arg305Gly]RSENEEFVEV